The following is an entry in ClinVar:

NM_005535.3(IL12RB1):c.434dup (p.Asp145fs)

Gene: IL12RB1 (interleukin 12 receptor subunit beta 1; minus strand). Cytogenetic location: 19p13.11.
Variant type: Duplication.
Coding change: c.434dup on transcript NM_005535.3 (MANE Select); coding-DNA position 434, one base duplicated (A; older notation c.434dupA).
Protein change: p.Asp145fs; shifts the reading frame from aspartic acid 145.
Molecular consequence: frameshift variant.
Genome position (GRCh38, 1-based): chr19:18,077,631, T duplicated on the plus strand (A on the coding strand, the reverse complement: IL12RB1 is on the minus strand). VCF-style (leftmost placement, unchanged base first): chr19-18077630-G-GT. GRCh37 (hg19) VCF-style: chr19-18188440-G-GT.
Other names: c.434dup, p.Asp145fs (NM_001290023.2, NM_153701.3); c.554dup, p.Asp185Glufs (NM_001290024.2); short protein forms D145fs, D185fs.
Identifiers: ClinVar variation 4056794 (VCV004056794.1).

ClinVar aggregate classification (germline): Pathogenic (1 of 4 stars; one submission).

Conditions:
Mendelian susceptibility to mycobacterial diseases due to complete IL12RB1 deficiency. Also called: IL12RB1 DEFICIENCY; Immunodeficiency 30. Identifiers: Orphanet 319552, MedGen C4013949, MONDO:0013955, OMIM 614891.

Submission:

Laboratorio de Genetica e Diagnostico Molecular, Hospital Israelita Albert Einstein
Classification: Pathogenic for Mendelian susceptibility to mycobacterial diseases due to complete IL12RB1 deficiency. Last evaluated: 2023-02-24. Review status: criteria provided, single submitter. Criteria: ACMG Guidelines, 2015. Collection method: clinical testing. Allele origin: germline. Affected: yes.
Comment: ACMG classification criteria: PVS1 very strong, PM2 moderate, PM3 supporting